The following is an entry in ClinVar:

ClinVar aggregate classification (germline): Benign/Likely benign. Review status: criteria provided, multiple submitters, no conflicts (2 of 4 stars). 9 submissions from 9 submitters: Benign (2); Likely benign (4). 3 of the submissions do not count toward it. Last evaluated 2026-06-01.

Conditions:
Occult macular dystrophy (OCMD). Also called: OMD; OCCULT MACULAR DYSTROPHY, SUSCEPTIBILITY TO. Identifiers: Orphanet 247834, MedGen C3150833, MONDO:0013316, OMIM 613587, HP:0030636.
Retinal dystrophy. Also called: Inherited retinal dystrophy. Identifiers: Orphanet 71862, MedGen C0854723, MeSH D058499, MONDO:0019118, HP:0000556.

Allele frequency attached by ClinVar (database versions not stated): 1000 Genomes Project 0.00100; 1000 Genomes Project 30x 0.00125; gnomAD 0.00155 and 0.00158; ESP Exome Variant Server 0.00156; TOPMed 0.00163; gnomAD exomes 0.00198; ExAC 0.00215.

Submissions (9):

CeGaT Center for Human Genetics Tuebingen
Classification: Likely benign. Last evaluated: 2026-06-01. Review status: criteria provided, single submitter. Criteria: CeGaT Center For Human Genetics Tuebingen Variant Classification Criteria Version 2. Collection method: clinical testing. Allele origin: germline. Affected: yes. Observed: 7 variant alleles.
Comment: RP1L1: BS2

Labcorp Genetics (formerly Invitae), Labcorp
Classification: Benign. Last evaluated: 2026-01-27. Review status: criteria provided, single submitter. Criteria: Invitae Variant Classification Sherloc (09022015). Collection method: clinical testing. Allele origin: germline.

Blueprint Genetics
Classification: Likely benign. Last evaluated: 2024-09-20. Review status: criteria provided, single submitter. Criteria: ACMG Guidelines, 2015. Collection method: clinical testing. Allele origin: germline.

Dept Of Ophthalmology, Nagoya University
Classification: Likely benign for Retinal dystrophy. Last evaluated: 2023-10-01. Review status: criteria provided, single submitter. Criteria: Submitter's publication. Collection method: research. Allele origin: germline. Affected: yes.

Mendelics
Classification: Likely benign for Occult macular dystrophy. Last evaluated: 2019-05-28. Review status: criteria provided, single submitter. Criteria: Mendelics Assertion Criteria 2017. Collection method: clinical testing. Allele origin: unknown.

Illumina Laboratory Services, Illumina
Classification: Benign for Occult macular dystrophy. Last evaluated: 2018-01-12. Review status: criteria provided, single submitter. Criteria: ICSL Variant Classification Criteria 13 December 2019. Collection method: clinical testing. Allele origin: germline.
Comment: This variant was observed in the ICSL laboratory as part of a predisposition screen in an ostensibly healthy population. It had not been previously curated by ICSL or reported in the Human Gene Mutation Database (HGMD: prior to June 1st, 2018), and was therefore a candidate for classification through an automated scoring system. Utilizing variant allele frequency, disease prevalence and penetrance estimates, and inheritance mode, an automated score was calculated to assess if this variant is too frequent to cause the disease. Based on the score and internal cut-off values, a variant classified as benign is not then subjected to further curation. The score for this variant resulted in a classification of benign for this disease.

Clinical Genetics DNA and cytogenetics Diagnostics Lab, Erasmus MC, Erasmus Medical Center
Classification: Likely benign. Review status: no assertion criteria provided. Collection method: clinical testing. Allele origin: germline. Affected: yes. Study: VKGL Data-share Consensus. Not counted in ClinVar's aggregate classification.

Clinical Genetics, Academic Medical Center
Classification: Likely benign. Review status: no assertion criteria provided. Collection method: clinical testing. Allele origin: germline. Affected: yes. Study: VKGL Data-share Consensus. Not counted in ClinVar's aggregate classification.

Joint Genome Diagnostic Labs from Nijmegen and Maastricht, Radboudumc and MUMC+
Classification: Likely benign. Review status: no assertion criteria provided. Collection method: clinical testing. Allele origin: germline. Affected: yes. Study: VKGL Data-share Consensus. Not counted in ClinVar's aggregate classification.

NM_178857.6(RP1L1):c.568C>T (p.Arg190Cys)

Gene: RP1L1 (RP1 like 1). Cytogenetic location: 8p23.1.
Variant type: single nucleotide variant.
Coding change: c.568C>T on transcript NM_178857.6 (MANE Select); coding-DNA position 568, C replaced by T.
Protein change: p.Arg190Cys; replaces arginine 190 with cysteine.
Molecular consequence: missense variant.
Genome position (GRCh38, 1-based): chr8:10,622,634, G>A on the plus strand (C>T on the coding strand, the complement: RP1L1 is on the minus strand). VCF-style: chr8-10622634-G-A. GRCh37 (hg19) VCF-style: chr8-10480144-G-A.
Other names: short protein forms R190C.
Identifiers: ClinVar variation 361402 (VCV000361402.60), dbSNP rs202110498, ClinGen allele CA4625642.
Genomic context (GRCh38, chr8:10,622,634, plus strand): 5'-TCAGACCCCAACAGCCTACCTTTTTCCCGCTGGTCGTGTACAACTGCTTCACAGGAAAGC[G>A]CAGGAGATCTGAGGCTTTGCCGAGAAAGGCGGCCAGGTTCCTAGTATTCCTGTGACTGAG-3'
Protein context (NP_849188.4, residues 180-200): AFLGKASDLL[Arg190Cys]FPVKQLYTTS